The following is an entry in ClinVar:

ClinVar aggregate classification (germline): Uncertain significance (1 of 4 stars; one submission).

Submission:

Women's Health and Genetics/Laboratory Corporation of America, LabCorp
Classification: Uncertain significance. Last evaluated: 2026-03-11. Review status: criteria provided, single submitter. Criteria: LabCorp Variant Classification Summary - May 2015. Collection method: clinical testing. Allele origin: germline.
Comment: Variant summary: VWF c.3605C>T (p.Ala1202Val) results in a non-conservative amino acid change in the encoded protein sequence. Algorithms developed to predict the effect of missense changes on protein structure and function are either unavailable or do not agree on the potential impact of this missense change. The variant allele was found at a frequency of 4e-06 in 251492 control chromosomes. The available data on variant occurrences in the general population are insufficient to allow any conclusion about variant significance. To our knowledge, no occurrence of c.3605C>T in individuals affected with VWF-related conditions and no experimental evidence demonstrating its impact on protein function have been reported. No submitters have cited clinical-significance assessments for this variant to ClinVar. Based on the evidence outlined above, the variant was classified as uncertain significance.

NM_000552.5(VWF):c.3605C>T (p.Ala1202Val)

Gene: VWF (von Willebrand factor; minus strand). Cytogenetic location: 12p13.31.
Variant type: single nucleotide variant.
Coding change: c.3605C>T on transcript NM_000552.5 (MANE Select); coding-DNA position 3605, C replaced by T.
Protein change: p.Ala1202Val; replaces alanine 1202 with valine.
Molecular consequence: missense variant.
Genome position (GRCh38, 1-based): chr12:6,021,969, G>A on the plus strand (C>T on the coding strand, the complement: VWF is on the minus strand). VCF-style: chr12-6021969-G-A. GRCh37 (hg19) VCF-style: chr12-6131135-G-A.
Other names: short protein forms A1202V.
Identifiers: ClinVar variation 4847320 (VCV004847320.1).